The following is an entry in ClinVar:

ClinVar aggregate classification (germline): Uncertain significance. Review status: criteria provided, multiple submitters, no conflicts (2 of 4 stars). 2 submissions from 2 submitters: Uncertain significance (2). Last evaluated 2026-07-07.

Conditions:
Hereditary cancer-predisposing syndrome. Also called: Tumor predisposition; Hereditary Cancer Syndrome; Hereditary neoplastic syndrome; Neoplastic Syndromes, Hereditary. Identifiers: Orphanet 140162, MedGen C0027672, MeSH D009386, MONDO:0015356.

Allele frequency attached by ClinVar (database versions not stated): gnomAD exomes below 0.00001.
gnomAD v4.1: 1 of 1,614,078 alleles (0.000062%); highest among the groups gnomAD compares: Middle Eastern, 0.016%; no homozygotes.

Submissions (2):

Ambry Genetics
Classification: Uncertain significance for Hereditary cancer-predisposing syndrome. Last evaluated: 2026-07-07. Review status: criteria provided, single submitter. Criteria: Ambry Variant Classification Scheme 2023. Collection method: clinical testing. Allele origin: germline.
Comment: The p.G609D variant (also known as c.1826G>A), located in coding exon 13 of the MSH3 gene, results from a G to A substitution at nucleotide position 1826. The glycine at codon 609 is replaced by aspartic acid, an amino acid with similar properties. This amino acid position is conserved. In addition, this alteration is predicted to be tolerated by in silico analysis. Based on the available evidence, the clinical significance of this variant remains unclear.

Labcorp Genetics (formerly Invitae), Labcorp
Classification: Uncertain significance. Last evaluated: 2021-08-27. Review status: criteria provided, single submitter. Criteria: Invitae Variant Classification Sherloc (09022015). Collection method: clinical testing. Allele origin: germline.
Comment: This sequence change replaces glycine with aspartic acid at codon 609 of the MSH3 protein (p.Gly609Asp). The glycine residue is weakly conserved and there is a moderate physicochemical difference between glycine and aspartic acid. This variant is not present in population databases (ExAC no frequency). This variant has not been reported in the literature in individuals affected with MSH3-related conditions. Algorithms developed to predict the effect of missense changes on protein structure and function output the following: SIFT: "Tolerated"; PolyPhen-2: "Benign"; Align-GVGD: "Class C0". The aspartic acid amino acid residue is found in multiple mammalian species, which suggests that this missense change does not adversely affect protein function. In summary, the available evidence is currently insufficient to determine the role of this variant in disease. Therefore, it has been classified as a Variant of Uncertain Significance.

NM_002439.5(MSH3):c.1826G>A (p.Gly609Asp)

Gene: MSH3 (mutS homolog 3; plus strand). Cytogenetic location: 5q14.1.
Variant type: single nucleotide variant.
Coding change: c.1826G>A on transcript NM_002439.5 (MANE Select); coding-DNA position 1826, G replaced by A.
Protein change: p.Gly609Asp; replaces glycine 609 with aspartic acid.
Molecular consequence: missense variant.
Genome position (GRCh38, 1-based): chr5:80,761,608, G>A. VCF-style: chr5-80761608-G-A. GRCh37 (hg19) VCF-style: chr5-80057427-G-A.
Other names: c.1826G>A (NM_002439.3); short protein forms G609D.
Identifiers: ClinVar variation 1006367 (VCV001006367.7), dbSNP rs1744035196, ClinGen allele CA360276593.